The following is an entry in ClinVar:

ClinVar aggregate classification (germline): Pathogenic (1 of 4 stars; one submission).

Conditions:
Jeune thoracic dystrophy. Also called: Jeune syndrome; Infantile thoracic dystrophy; Thoracic pelvic phalangeal dystrophy; Jeune's syndrome; Chondroectodermal dysplasia-like syndrome; Short-rib thoracic dysplasia. Identifiers: Orphanet 474, MedGen C0265275, MONDO:0018770.

Submission:

Labcorp Genetics (formerly Invitae), Labcorp
Classification: Pathogenic for Jeune thoracic dystrophy. Last evaluated: 2023-07-22. Review status: criteria provided, single submitter. Criteria: Invitae Variant Classification Sherloc (09022015). Collection method: clinical testing. Allele origin: germline.
Comment: For these reasons, this variant has been classified as Pathogenic. This sequence change creates a premature translational stop signal (Splice site) in the IFT80 gene. It is expected to result in an absent or disrupted protein product. Loss-of-function variants in IFT80 are known to be pathogenic (PMID: 21227999, 23339108, 29068549). This variant is not present in population databases (gnomAD no frequency). This variant has not been reported in the literature in individuals affected with IFT80-related conditions. ClinVar contains an entry for this variant (Variation ID: 1075438). Algorithms developed to predict the effect of sequence changes on RNA splicing suggest that this variant may disrupt the consensus splice site.

Literature cited by the submitters: PubMed 21227999; PubMed 23339108; PubMed 29068549.

NM_020800.3(IFT80):c.639+1del

Genes: IFT80 (intraflagellar transport 80; minus strand), TRIM59-IFT80 (TRIM59-IFT80 readthrough (NMD candidate); minus strand). Cytogenetic location: 3q25.33.
Variant type: Deletion.
Coding change: c.639+1del on transcript NM_020800.3 (MANE Select); the canonical splice donor site of the intron after coding-DNA position 639, one base deleted (G; older notation c.639+1delG).
Molecular consequence: splice donor variant.
Genome position (GRCh38, 1-based): chr3:160,357,488, C deleted on the plus strand (G on the coding strand, the reverse complement: IFT80 is on the minus strand); the first of 2 consecutive C bases (chr3:160,357,488-160,357,489); deleting either gives the same sequence. VCF-style (leftmost placement, unchanged base first): chr3-160357487-AC-A. GRCh37 (hg19) VCF-style: chr3-160075275-AC-A.
Other names: c.228+1del (NM_001190241.2, NM_001190242.2).
Identifiers: ClinVar variation 1075438 (VCV001075438.9), dbSNP rs2108362424, ClinGen allele CA2499216571.
Genomic context (GRCh38, chr3:160,357,487, plus strand): 5'-ATATGCTAAGTACTTATAAATTTGATTATTTCAGCCAAGTGATAAATCTAAACATTATAT[AC>A]CTTATATTTACAGTCTTCACCAGCAGATAAAATAAGATCATTGACCGAGTTCCAATCTAC-3'